The following is an entry in ClinVar:

ClinVar aggregate classification (germline): Uncertain significance (1 of 4 stars; one submission).

Submission:

Labcorp Genetics (formerly Invitae), Labcorp
Classification: Uncertain significance. Last evaluated: 2025-06-16. Review status: criteria provided, single submitter. Criteria: Invitae Variant Classification Sherloc (09022015). Collection method: clinical testing. Allele origin: germline.
Comment: This sequence change replaces cysteine, which is neutral and slightly polar, with serine, which is neutral and polar, at codon 558 of the POLE protein (p.Cys558Ser). This variant is not present in population databases (gnomAD no frequency). This variant has not been reported in the literature in individuals affected with POLE-related conditions. ClinVar contains an entry for this variant (Variation ID: 1020760). Invitae Evidence Modeling of protein sequence and biophysical properties (such as structural, functional, and spatial information, amino acid conservation, physicochemical variation, residue mobility, and thermodynamic stability) indicates that this missense variant is not expected to disrupt POLE protein function with a negative predictive value of 80%. In summary, the available evidence is currently insufficient to determine the role of this variant in disease. Therefore, it has been classified as a Variant of Uncertain Significance.

NM_006231.4(POLE):c.1673G>C (p.Cys558Ser)

Gene: POLE (DNA polymerase epsilon, catalytic subunit; minus strand). Cytogenetic location: 12q24.33.
Variant type: single nucleotide variant.
Coding change: c.1673G>C on transcript NM_006231.4 (MANE Select); coding-DNA position 1673, G replaced by C.
Protein change: p.Cys558Ser; replaces cysteine 558 with serine.
Molecular consequence: missense variant.
Genome position (GRCh38, 1-based): chr12:132,672,640, C>G on the plus strand (G>C on the coding strand, the complement: POLE is on the minus strand). VCF-style: chr12-132672640-C-G. GRCh37 (hg19) VCF-style: chr12-133249226-C-G.
Other names: short protein forms C558S.
Identifiers: ClinVar variation 1020760 (VCV001020760.8), dbSNP rs1251511113, ClinGen allele CA387356469.